The following is an entry in ClinVar:

NM_003738.5(PTCH2):c.1928G>A (p.Arg643Gln)

Gene: PTCH2 (patched 2; minus strand). Cytogenetic location: 1p34.1.
Variant type: single nucleotide variant.
Coding change: c.1928G>A on transcript NM_003738.5 (MANE Select); coding-DNA position 1928, G replaced by A.
Protein change: p.Arg643Gln; replaces arginine 643 with glutamine.
Molecular consequence: missense variant.
Genome position (GRCh38, 1-based): chr1:44,827,973, C>T on the plus strand (G>A on the coding strand, the complement: PTCH2 is on the minus strand). VCF-style: chr1-44827973-C-T. GRCh37 (hg19) VCF-style: chr1-45293645-C-T.
Other names: c.1928G>A, p.Arg643Gln (NM_001166292.2); short protein forms R643Q.
Identifiers: ClinVar variation 2718573 (VCV002718573.3), dbSNP rs1206654652, ClinGen allele CA340098937.

ClinVar aggregate classification (germline): Uncertain significance (1 of 4 stars; one submission).

Conditions:
Gorlin syndrome. Also called: Nevoid Basal Cell Carcinoma Syndrome; Basal cell nevus syndrome. Identifiers: Orphanet 377, MedGen C0004779, MONDO:0007187.

Allele frequency attached by ClinVar (database versions not stated): gnomAD exomes below 0.00001; gnomAD 0.00001; TOPMed 0.00001.
gnomAD v4.1: 5 of 1,614,070 alleles (0.00031%); highest among the groups gnomAD compares: African/African-American, 0.0013%; no homozygotes.

Submission:

Labcorp Genetics (formerly Invitae), Labcorp
Classification: Uncertain significance for Gorlin syndrome. Last evaluated: 2023-06-15. Review status: criteria provided, single submitter. Criteria: Invitae Variant Classification Sherloc (09022015). Collection method: clinical testing. Allele origin: germline.
Comment: Advanced modeling of protein sequence and biophysical properties (such as structural, functional, and spatial information, amino acid conservation, physicochemical variation, residue mobility, and thermodynamic stability) performed at Invitae indicates that this missense variant is not expected to disrupt PTCH2 protein function. In summary, the available evidence is currently insufficient to determine the role of this variant in disease. Therefore, it has been classified as a Variant of Uncertain Significance. This variant has not been reported in the literature in individuals affected with PTCH2-related conditions. This sequence change replaces arginine, which is basic and polar, with glutamine, which is neutral and polar, at codon 643 of the PTCH2 protein (p.Arg643Gln). This variant is not present in population databases (gnomAD no frequency).